The following is an entry in ClinVar:

ClinVar aggregate classification (germline): Uncertain significance (1 of 4 stars; one submission).

Submission:

Labcorp Genetics (formerly Invitae), Labcorp
Classification: Uncertain significance. Last evaluated: 2023-04-12. Review status: criteria provided, single submitter. Criteria: Invitae Variant Classification Sherloc (09022015). Collection method: clinical testing. Allele origin: germline.
Comment: In summary, the available evidence is currently insufficient to determine the role of this variant in disease. Therefore, it has been classified as a Variant of Uncertain Significance. Advanced modeling of protein sequence and biophysical properties (such as structural, functional, and spatial information, amino acid conservation, physicochemical variation, residue mobility, and thermodynamic stability) performed at Invitae indicates that this missense variant is expected to disrupt COL4A1 protein function. This variant has not been reported in the literature in individuals affected with COL4A1-related conditions. This variant is not present in population databases (gnomAD no frequency). This sequence change replaces glycine, which is neutral and non-polar, with alanine, which is neutral and non-polar, at codon 173 of the COL4A1 protein (p.Gly173Ala).

NM_001845.6(COL4A1):c.518G>C (p.Gly173Ala)

Gene: COL4A1 (collagen type IV alpha 1 chain; minus strand). Cytogenetic location: 13q34.
Variant type: single nucleotide variant.
Coding change: c.518G>C on transcript NM_001845.6 (MANE Select); coding-DNA position 518, G replaced by C.
Protein change: p.Gly173Ala; replaces glycine 173 with alanine.
Molecular consequence: missense variant.
Genome position (GRCh38, 1-based): chr13:110,210,163, C>G on the plus strand (G>C on the coding strand, the complement: COL4A1 is on the minus strand). VCF-style: chr13-110210163-C-G. GRCh37 (hg19) VCF-style: chr13-110862510-C-G.
Other names: c.518G>C, p.Gly173Ala (NM_001303110.2); short protein forms G173A.
Identifiers: ClinVar variation 2855369 (VCV002855369.3), dbSNP rs567124920, ClinGen allele CA388725632.